The following is an entry in ClinVar:

NM_001376.5(DYNC1H1):c.11409G>A (p.Pro3803=)

Gene: DYNC1H1 (dynein cytoplasmic 1 heavy chain 1; plus strand). Cytogenetic location: 14q32.31.
Variant type: single nucleotide variant.
Coding change: c.11409G>A on transcript NM_001376.5 (MANE Select); coding-DNA position 11409, G replaced by A.
Protein change: p.Pro3803=; no amino-acid change (proline 3803 retained).
Molecular consequence: synonymous variant.
Genome position (GRCh38, 1-based): chr14:102,039,203, G>A. VCF-style: chr14-102039203-G-A. GRCh37 (hg19) VCF-style: chr14-102505540-G-A.
Identifiers: ClinVar variation 377819 (VCV000377819.49), dbSNP rs17512783, ClinGen allele CA7353583.
Genomic context (GRCh38, chr14:102,039,203, plus strand): 5'-AGTTGAGGAGACGGACATTGTCATGCAGGAGGTGGAGACCGTGTCCCAGCAGTACCTCCC[G>A]CTCTCCACCGCCTGCAGCAGCATCTACTTCACCATGGAGTCCCTCAAGCAGGTGGGTGCC-3'
Protein context (NP_001367.2, residues 3793-3813): EVETVSQQYL[Pro3803=]LSTACSSIYF

ClinVar aggregate classification (germline): Benign/Likely benign. Review status: criteria provided, multiple submitters, no conflicts (2 of 4 stars). 10 submissions from 9 submitters: Benign (9); Likely benign (1). Last evaluated 2026-10-01.

Conditions:
Autosomal dominant cerebellar ataxia. Also called: Spinocerebellar Ataxia, Dominant. Identifiers: Orphanet 99, MedGen C4087347, MONDO:0020380.
Inborn genetic diseases. Identifiers: MedGen C0950123, MeSH D030342.
Charcot-Marie-Tooth disease. Also called: Charcot-Marie-Tooth Neuropathy; Charcot-Marie-Tooth Hereditary Neuropathy. Identifiers: Orphanet 166, MedGen C0007959, MONDO:0015626.
Charcot-Marie-Tooth disease axonal type 2O. Also called: Charcot-Marie-Tooth Neuropathy Type 2O; Charcot-Marie-Tooth disease, axonal, type 20; CHARCOT-MARIE-TOOTH NEUROPATHY, AXONAL, TYPE 2O; CHARCOT-MARIE-TOOTH DISEASE, AXONAL, AUTOSOMAL DOMINANT, TYPE 2O. Identifiers: Orphanet 284232, MedGen C3280220, MONDO:0013644, OMIM 614228.

Allele frequency attached by ClinVar (database versions not stated): 1000 Genomes Project 30x 0.00328; 1000 Genomes Project 0.00399; ESP Exome Variant Server 0.00438.
gnomAD v4.1: 1,182 of 1,614,040 alleles (0.073%); highest among the groups gnomAD compares: African/African-American, 1.3%; 15 homozygotes.

Submissions (10):

CeGaT Center for Human Genetics Tuebingen
Classification: Benign. Last evaluated: 2026-10-01. Review status: criteria provided, single submitter. Criteria: CeGaT Center For Human Genetics Tuebingen Variant Classification Criteria Version 2. Collection method: clinical testing. Allele origin: germline. Affected: yes. Observed: 3 variant alleles.
Comment: DYNC1H1: BP4, BP7, BS1, BS2

Labcorp Genetics (formerly Invitae), Labcorp
Classification: Benign for Charcot-Marie-Tooth disease axonal type 2O. Last evaluated: 2026-02-02. Review status: criteria provided, single submitter. Criteria: Invitae Variant Classification Sherloc (09022015). Collection method: clinical testing. Allele origin: germline.

Blueprint Genetics
Classification: Likely benign. Last evaluated: 2024-10-09. Review status: criteria provided, single submitter. Criteria: ACMG Guidelines, 2015. Collection method: clinical testing. Allele origin: germline.

ARUP Laboratories, Molecular Genetics and Genomics, ARUP Laboratories
Classification: Benign. Last evaluated: 2023-12-20. Review status: criteria provided, single submitter. Criteria: ARUP Molecular Germline Variant Investigation Process 2024. Collection method: clinical testing. Allele origin: germline.

Illumina Laboratory Services, Illumina
Classification: Benign for Charcot-Marie-Tooth disease axonal type 2O. Last evaluated: 2018-01-13. Review status: criteria provided, single submitter. Criteria: ICSL Variant Classification Criteria 13 December 2019. Collection method: clinical testing. Allele origin: germline.
Comment: This variant was observed in the ICSL laboratory as part of a predisposition screen in an ostensibly healthy population. It had not been previously curated by ICSL or reported in the Human Gene Mutation Database (HGMD: prior to June 1st, 2018), and was therefore a candidate for classification through an automated scoring system. Utilizing variant allele frequency, disease prevalence and penetrance estimates, and inheritance mode, an automated score was calculated to assess if this variant is too frequent to cause the disease. Based on the score and internal cut-off values, a variant classified as benign is not then subjected to further curation. The score for this variant resulted in a classification of benign for this disease.

Illumina Laboratory Services, Illumina
Classification: Benign for Spinocerebellar Ataxia, Dominant. Last evaluated: 2018-01-13. Review status: criteria provided, single submitter. Criteria: ICSL Variant Classification Criteria 13 December 2019. Collection method: clinical testing. Allele origin: germline.
Comment: the same text as in the submission from Illumina Laboratory Services, Illumina above.

GeneDx
Classification: Benign. Last evaluated: 2016-05-19. Review status: criteria provided, single submitter. Criteria: GeneDx Variant Classification (06012015). Collection method: clinical testing. Allele origin: germline. Affected: yes.
Comment: This variant is considered likely benign or benign based on one or more of the following criteria: it is a conservative change, it occurs at a poorly conserved position in the protein, it is predicted to be benign by multiple in silico algorithms, and/or has population frequency not consistent with disease.

Ambry Genetics
Classification: Benign for Inborn genetic diseases. Last evaluated: 2016-04-15. Review status: criteria provided, single submitter. Criteria: Ambry Variant Classification Scheme 2023. Collection method: clinical testing. Allele origin: germline.

Breakthrough Genomics
Classification: Benign. Review status: criteria provided, single submitter. Criteria: ACMG Guidelines, 2015. Collection method: not provided. Allele origin: germline. Inheritance: Autosomal dominant inheritance. Affected: yes.

Molecular Genetics Laboratory, London Health Sciences Centre
Classification: Benign for Charcot-Marie-Tooth disease. Review status: criteria provided, single submitter. Criteria: ACMG Guidelines, 2015. Collection method: clinical testing. Allele origin: germline. Affected: yes.